The following is an entry in ClinVar:

NM_014264.5(PLK4):c.162A>G (p.Val54=)

Gene: PLK4 (polo like kinase 4; plus strand). Cytogenetic location: 4q28.1.
Variant type: single nucleotide variant.
Coding change: c.162A>G on transcript NM_014264.5 (MANE Select); coding-DNA position 162, A replaced by G.
Protein change: p.Val54=; no amino-acid change (valine 54 retained).
Molecular consequence: synonymous variant. On other transcripts: intron variant (1).
Genome position (GRCh38, 1-based): chr4:127,883,297, A>G. VCF-style: chr4-127883297-A-G. GRCh37 (hg19) VCF-style: chr4-128804452-A-G.
Other names: c.39A>G, p.Val13= (NM_001190801.2); c.127-142A>G (NM_001190799.2).
Identifiers: ClinVar variation 436339 (VCV000436339.40), dbSNP rs199771668, ClinGen allele CA3076513.

ClinVar aggregate classification (germline): Likely benign. Review status: criteria provided, multiple submitters, no conflicts (2 of 4 stars). 4 submissions from 4 submitters: Likely benign (4). Last evaluated 2026-04-01.

Allele frequency attached by ClinVar (database versions not stated): gnomAD 0.00006 and 0.00010; ESP Exome Variant Server 0.00008; TOPMed 0.00009; ExAC 0.00011.

Submissions (4):

CeGaT Center for Human Genetics Tuebingen
Classification: Likely benign. Last evaluated: 2026-04-01. Review status: criteria provided, single submitter. Criteria: CeGaT Center For Human Genetics Tuebingen Variant Classification Criteria Version 2. Collection method: clinical testing. Allele origin: germline. Affected: yes. Observed: 4 variant alleles.
Comment: PLK4: BP4, BP7

Labcorp Genetics (formerly Invitae), Labcorp
Classification: Likely benign. Last evaluated: 2026-01-27. Review status: criteria provided, single submitter. Criteria: Invitae Variant Classification Sherloc (09022015). Collection method: clinical testing. Allele origin: germline.

Blueprint Genetics
Classification: Likely benign. Last evaluated: 2024-11-21. Review status: criteria provided, single submitter. Criteria: ACMG Guidelines, 2015. Collection method: clinical testing. Allele origin: germline.

Genetic Services Laboratory, University of Chicago
Classification: Likely benign. Last evaluated: 2016-08-26. Review status: criteria provided, single submitter. Criteria: ACMG Guidelines, 2015. Collection method: clinical testing. Allele origin: germline. Affected: no.